The following is an entry in ClinVar:

ClinVar aggregate classification (germline): Uncertain significance. Review status: criteria provided, multiple submitters, no conflicts (2 of 4 stars). 2 submissions from 2 submitters: Uncertain significance (2). Last evaluated 2022-08-15.

Conditions:
Hereditary cancer-predisposing syndrome. Also called: Neoplastic Syndromes, Hereditary; Tumor predisposition; Hereditary Cancer Syndrome; Hereditary neoplastic syndrome. Identifiers: Orphanet 140162, MedGen C0027672, MeSH D009386, MONDO:0015356.
Pheochromocytoma. Also called: MAX-Related Hereditary Paraganglioma-Pheochromocytoma Syndrome. Identifiers: Orphanet 29072, MedGen C0031511, MONDO:0008233, OMIM 171300, HP:0002666.
Carney-Stratakis syndrome. Also called: PARAGANGLIOMA AND GASTROINTESTINAL STROMAL TUMOR. Identifiers: Orphanet 97286, MedGen C1847319, MONDO:0011740, OMIM 606864.
Cowden syndrome 3 (CWS3). Identifiers: Orphanet 201, MedGen CN166604, MONDO:0014045.
Paragangliomas with sensorineural hearing loss. Identifiers: MedGen C1868633.

Submissions (2):

Labcorp Genetics (formerly Invitae), Labcorp
Classification: Uncertain significance for Carney-Stratakis syndrome; Paragangliomas with sensorineural hearing loss; Pheochromocytoma; Cowden syndrome 3. Last evaluated: 2022-08-15. Review status: criteria provided, single submitter. Criteria: Invitae Variant Classification Sherloc (09022015). Collection method: clinical testing. Allele origin: germline.
Comment: In summary, the available evidence is currently insufficient to determine the role of this variant in disease. Therefore, it has been classified as a Variant of Uncertain Significance. Algorithms developed to predict the effect of missense changes on protein structure and function are either unavailable or do not agree on the potential impact of this missense change (SIFT: "Tolerated"; PolyPhen-2: "Possibly Damaging"; Align-GVGD: "Class C0"). ClinVar contains an entry for this variant (Variation ID: 465222). This variant has not been reported in the literature in individuals affected with SDHD-related conditions. This variant is not present in population databases (gnomAD no frequency). This sequence change replaces isoleucine, which is neutral and non-polar, with threonine, which is neutral and polar, at codon 49 of the SDHD protein (p.Ile49Thr).

Ambry Genetics
Classification: Uncertain significance for Hereditary cancer-predisposing syndrome. Last evaluated: 2019-09-03. Review status: criteria provided, single submitter. Criteria: Ambry Variant Classification Scheme 2023. Collection method: clinical testing. Allele origin: germline.
Comment: The p.I49T variant (also known as c.146T>C), located in coding exon 2 of the SDHD gene, results from a T to C substitution at nucleotide position 146. The isoleucine at codon 49 is replaced by threonine, an amino acid with similar properties. This amino acid position is well conserved in available vertebrate species. In addition, this alteration is predicted to be deleterious by in silico analysis. Since supporting evidence is limited at this time, the clinical significance of this alteration remains unclear.

NM_003002.4(SDHD):c.146T>C (p.Ile49Thr)

Gene: SDHD (succinate dehydrogenase complex subunit D; plus strand). Cytogenetic location: 11q23.1.
Variant type: single nucleotide variant.
Coding change: c.146T>C on transcript NM_003002.4 (MANE Select); coding-DNA position 146, T replaced by C.
Protein change: p.Ile49Thr; replaces isoleucine 49 with threonine.
Molecular consequence: missense variant. On other transcripts: non-coding transcript variant (1), intron variant (1).
Genome position (GRCh38, 1-based): chr11:112,087,950, T>C. VCF-style: chr11-112087950-T-C. GRCh37 (hg19) VCF-style: chr11-111958674-T-C.
Other names: c.146T>C, p.Ile49Thr (NM_001276503.2, NM_001276506.2); c.53-917T>C (NM_001276504.2); short protein forms I49T.
Identifiers: ClinVar variation 465222 (VCV000465222.8), dbSNP rs1555186808, ClinGen allele CA382617085.